The following is an entry in ClinVar:

ClinVar aggregate classification (germline): Benign/Likely benign. Review status: criteria provided, multiple submitters, no conflicts (2 of 4 stars). 4 submissions from 4 submitters: Benign (1); Likely benign (3). Last evaluated 2025-02-12.

Conditions:
Hereditary cancer-predisposing syndrome. Also called: Hereditary neoplastic syndrome; Neoplastic Syndromes, Hereditary; Tumor predisposition; Hereditary Cancer Syndrome. Identifiers: Orphanet 140162, MedGen C0027672, MeSH D009386, MONDO:0015356.
Fanconi anemia complementation group J. Also called: BRIP1-Related Fanconi Anemia. Identifiers: Orphanet 84, MedGen C1836860, MONDO:0012187, OMIM 609054.
Familial cancer of breast. Also called: BREAST CANCER, FAMILIAL; hereditary breast carcinoma; Hereditary breast cancer. Identifiers: Orphanet 227535, MedGen C0346153, MONDO:0016419, OMIM 114480. Disease mechanism: loss of function.

Allele frequency attached by ClinVar (database versions not stated): gnomAD exomes below 0.00001; TOPMed below 0.00001.
gnomAD v4.1: 2 of 1,613,812 alleles (0.00012%); highest among the groups gnomAD compares: Non-Finnish European, 0.00017%; no homozygotes.

Submissions (4):

Labcorp Genetics (formerly Invitae), Labcorp
Classification: Likely benign for Familial cancer of breast; Fanconi anemia complementation group J. Last evaluated: 2025-02-12. Review status: criteria provided, single submitter. Criteria: Invitae Variant Classification Sherloc (09022015). Collection method: clinical testing. Allele origin: germline.

Myriad Genetics, Inc.
Classification: Benign for Familial cancer of breast. Last evaluated: 2024-09-03. Review status: criteria provided, single submitter. Criteria: Myriad Autosomal Dominant, Autosomal Recessive and X-Linked Classification Criteria (2023). Collection method: clinical testing. Allele origin: unknown.
Comment: This variant is considered benign. This variant is a silent/synonymous amino acid change and it is not expected to impact splicing.

Ambry Genetics
Classification: Likely benign for Hereditary cancer-predisposing syndrome. Last evaluated: 2024-06-15. Review status: criteria provided, single submitter. Criteria: Ambry Variant Classification Scheme 2023. Collection method: clinical testing. Allele origin: germline.

Color Diagnostics, LLC DBA Color Health
Classification: Likely benign for Hereditary cancer-predisposing syndrome. Last evaluated: 2017-08-21. Review status: criteria provided, single submitter. Criteria: ACMG Guidelines, 2015. Collection method: clinical testing. Allele origin: germline.

NM_032043.3(BRIP1):c.2130T>C (p.Ser710=)

Gene: BRIP1 (BRCA1 interacting DNA helicase 1; minus strand). Cytogenetic location: 17q23.2.
Variant type: single nucleotide variant.
Coding change: c.2130T>C on transcript NM_032043.3 (MANE Select); coding-DNA position 2130, T replaced by C.
Protein change: p.Ser710=; no amino-acid change (serine 710 retained).
Molecular consequence: synonymous variant.
Genome position (GRCh38, 1-based): chr17:61,744,559, A>G on the plus strand (T>C on the coding strand, the complement: BRIP1 is on the minus strand). VCF-style: chr17-61744559-A-G. GRCh37 (hg19) VCF-style: chr17-59821920-A-G.
Identifiers: ClinVar variation 461095 (VCV000461095.17), dbSNP rs1555591497, ClinGen allele CA501151367.